The following is an entry in ClinVar:

NM_004963.4(GUCY2C):c.2190A>C (p.Glu730Asp)

Gene: GUCY2C (guanylate cyclase 2C; minus strand). Cytogenetic location: 12p12.3.
Variant type: single nucleotide variant.
Coding change: c.2190A>C on transcript NM_004963.4 (MANE Select); coding-DNA position 2190, A replaced by C.
Protein change: p.Glu730Asp; replaces glutamic acid 730 with aspartic acid.
Molecular consequence: missense variant.
Genome position (GRCh38, 1-based): chr12:14,628,705, T>G on the plus strand (A>C on the coding strand, the complement: GUCY2C is on the minus strand). VCF-style: chr12-14628705-T-G. GRCh37 (hg19) VCF-style: chr12-14781639-T-G.
Other names: short protein forms E730D.
Identifiers: ClinVar variation 2631772 (VCV002631772.1), dbSNP rs756890830, ClinGen allele CA383998702.

ClinVar aggregate classification (germline): Uncertain significance (1 of 4 stars; one submission).

Conditions:
GUCY2C-related disorder. Also called: GUCY2C-related condition.

Submission:

PreventionGenetics, part of Exact Sciences
Classification: Uncertain significance for GUCY2C-related condition. Last evaluated: 2023-06-30. Review status: criteria provided, single submitter. Criteria: ACMG Guidelines, 2015. Collection method: clinical testing. Allele origin: germline.
Comment: The GUCY2C c.2190A>C variant is predicted to result in the amino acid substitution p.Glu730Asp. To our knowledge, this variant has not been reported in the literature or in a large population database, indicating this variant is rare. At this time, the clinical significance of this variant is uncertain due to the absence of conclusive functional and genetic evidence.